The following is an entry in ClinVar:

NC_000008.10:g.(?_116426231)_(116635884_?)del

Gene: TRPS1 (transcriptional repressor GATA binding 1; minus strand). Cytogenetic location: 8q23.3.
Variant type: Deletion.
Identifiers: ClinVar variation 583713 (VCV000583713.3).

ClinVar aggregate classification (germline): Pathogenic (1 of 4 stars; one submission).

Conditions:
Trichorhinophalangeal dysplasia type I (TRPS1). Also called: TRICHORHINOPHALANGEAL SYNDROME, TYPE I; TRPS I. Identifiers: Orphanet 77258, MedGen C0432233, MONDO:0008596, OMIM 190350.
Trichorhinophalangeal syndrome, type III (TRPS3). Also called: SUGIO-KAJII SYNDROME. Identifiers: Orphanet 77258, MedGen C1860823, OMIM 190351, MONDO:0008597.

Submission:

Labcorp Genetics (formerly Invitae), Labcorp
Classification: Pathogenic for Trichorhinophalangeal syndrome type 3; Trichorhinophalangeal dysplasia type I. Last evaluated: 2020-01-03. Review status: criteria provided, single submitter. Criteria: Invitae Variant Classification Sherloc (09022015). Collection method: clinical testing. Allele origin: germline.
Comment: A gross deletion of the genomic region encompassing the full coding sequence of the TRPS1 gene has been identified. The boundaries of this event are unknown as the deletion extends beyond the assayed region for this gene and therefore may encompass additional genes. Isolated whole-gene deletions of TRPS1 have not been reported in the literature, however, larger copy number events that include this gene have been reported (PMID: 25792522). Loss-of-function variants in TRPS1 are known to be pathogenic (PMID: 11112658). For these reasons, this variant has been classified as Pathogenic.

Literature cited by the submitters: PubMed 25792522.